The following is an entry in ClinVar:

NM_001042492.3(NF1):c.5191T>A (p.Leu1731Met)

Gene: NF1 (neurofibromin 1; plus strand). Cytogenetic location: 17q11.2.
Variant type: single nucleotide variant.
Coding change: c.5191T>A on transcript NM_001042492.3 (MANE Select); coding-DNA position 5191, T replaced by A.
Protein change: p.Leu1731Met; replaces leucine 1731 with methionine.
Molecular consequence: missense variant.
Genome position (GRCh38, 1-based): chr17:31,326,175, T>A. VCF-style: chr17-31326175-T-A. GRCh37 (hg19) VCF-style: chr17-29653193-T-A.
Other names: c.5128T>A, p.Leu1710Met (NM_000267.4); short protein forms L1710M, L1731M.
Identifiers: ClinVar variation 1692341 (VCV001692341.1), dbSNP rs876658602, ClinGen allele CA399008015.
Genomic context (GRCh38, chr17:31,326,175, plus strand): 5'-TGTCCTGGGAAACTGGCTGAGCACATAGAGCATGAACAACAGAAACTACCTGCTGCCACC[T>A]TGGCTTTAGAAGAGGACCTGAAGGTATTCCACAATGCTCTCAAGCTAGCTCACAAAGACA-3'
Protein context (NP_001035957.1, residues 1721-1741): HEQQKLPAAT[Leu1731Met]ALEEDLKVFH

ClinVar aggregate classification (germline): Uncertain significance (1 of 4 stars; one submission).

Conditions:
Hereditary cancer-predisposing syndrome. Also called: Hereditary Cancer Syndrome; Hereditary neoplastic syndrome; Neoplastic Syndromes, Hereditary; Tumor predisposition. Identifiers: Orphanet 140162, MedGen C0027672, MeSH D009386, MONDO:0015356.

Submission:

Sema4
Classification: Uncertain significance for Hereditary cancer-predisposing syndrome. Last evaluated: 2021-06-14. Review status: criteria provided, single submitter. Criteria: Sema4 Curation Guidelines. Collection method: curation. Allele origin: germline.
Comment: The NF1 c.5128T>A (p.L1710M) variant has not been reported in the literature to our knowledge. It was not observed in the large and broad cohorts of the Genome Aggregation Database (PMID: 32461654). The variant has not been reported in ClinVar. In silico tools suggest the impact of the variant on protein function is inconclusive, though these predictions have not been confirmed by functional studies. The evidence is insufficient to meet ACMG/AMP criteria for classifying the variant as benign or pathogenic. Thus, the clinical significance of this variant is currently uncertain.